The following is an entry in ClinVar:

NM_001080517.3(SETD5):c.4276C>T (p.Arg1426Ter)

Gene: SETD5 (SET domain containing 5; plus strand). Cytogenetic location: 3p25.3.
Variant type: single nucleotide variant.
Coding change: c.4276C>T on transcript NM_001080517.3 (MANE Select); coding-DNA position 4276, C replaced by T.
Protein change: p.Arg1426Ter; replaces arginine 1426 with a stop codon.
Molecular consequence: nonsense.
Genome position (GRCh38, 1-based): chr3:9,476,038, C>T. VCF-style: chr3-9476038-C-T. GRCh37 (hg19) VCF-style: chr3-9517722-C-T.
Other names: c.4276C>T (NM_001080517.1); c.3982C>T, p.Arg1328Ter (NM_001292043.2, NM_001349451.2); short protein forms R1328*, R1426*.
Identifiers: ClinVar variation 3618797 (VCV003618797.3).

ClinVar aggregate classification (germline): Conflicting classifications of pathogenicity. Review status: criteria provided, conflicting classifications (1 of 4 stars). 2 submissions from 2 submitters: Uncertain significance (1); Likely benign (1). Last evaluated 2025-08-07.

gnomAD v4.1: 7 of 1,613,768 alleles (0.00043%); highest among the groups gnomAD compares: South Asian, 0.0011%; no homozygotes.

Submissions (2):

Labcorp Genetics (formerly Invitae), Labcorp
Classification: Likely benign. Last evaluated: 2025-08-07. Review status: criteria provided, single submitter. Criteria: Invitae Variant Classification Sherloc (09022015). Collection method: clinical testing. Allele origin: germline.

GeneDx
Classification: Uncertain significance. Last evaluated: 2024-11-13. Review status: criteria provided, single submitter. Criteria: GeneDx Variant Classification Process June 2021. Collection method: clinical testing. Allele origin: germline. Affected: yes.
Comment: Nonsense variant predicted to result in protein truncation as the last 17 amino acid(s) are lost; Has not been previously published as pathogenic or benign to our knowledge